The following is an entry in ClinVar:

ClinVar aggregate classification (germline): Uncertain significance (1 of 4 stars; one submission).

Conditions:
Alstrom syndrome (ALMS). Identifiers: Orphanet 64, MedGen C0268425, MONDO:0008763, OMIM 203800.

Submission:

Labcorp Genetics (formerly Invitae), Labcorp
Classification: Uncertain significance for Alstrom syndrome. Last evaluated: 2021-08-22. Review status: criteria provided, single submitter. Criteria: Invitae Variant Classification Sherloc (09022015). Collection method: clinical testing. Allele origin: germline.
Comment: This variant, c.77_78insGGAGGAGGAGGAAGA, is a complex sequence change that results in the insertion of 5 amino acid(s) in the ALMS1 protein (p.Glu25_Glu29dup). The frequency data for this variant in the population databases is considered unreliable, as metrics indicate insufficient coverage at this position in the ExAC database. This variant has not been reported in the literature in individuals affected with ALMS1-related conditions. Experimental studies and prediction algorithms are not available or were not evaluated, and the functional significance of this variant is currently unknown. In summary, the available evidence is currently insufficient to determine the role of this variant in disease. Therefore, it has been classified as a Variant of Uncertain Significance.

NM_001378454.1(ALMS1):c.74_75insGGAGGAGGAGGAAGA (p.Glu28_Ala29insGluGluGluGluGlu)

Gene: ALMS1 (ALMS1 centrosome and basal body associated protein; plus strand). Cytogenetic location: 2p13.1.
Variant type: Microsatellite.
Coding change: c.74_75insGGAGGAGGAGGAAGA on transcript NM_001378454.1 (MANE Select); coding-DNA positions 74 to 75, GGAGGAGGAGGAAGA inserted.
Protein change: p.Glu28_Ala29insGluGluGluGluGlu.
Molecular consequence: inframe insertion.
Genome position: GRCh38 VCF-style: chr2-73385940-G-GGAGGAGGAGGAGGAA. GRCh37 (hg19) VCF-style: chr2-73613068-G-GGAGGAGGAGGAGGAA.
Other names: c.77_78insGGAGGAGGAGGAAGA, p.Glu29_Ala30insGluGluGluGluGlu (NM_015120.4).
Identifiers: ClinVar variation 2144667 (VCV002144667.1), dbSNP rs1491479006.